The following is an entry in ClinVar:

ClinVar aggregate classification (germline): Benign (1 of 4 stars; one submission).

Allele frequency attached by ClinVar (database versions not stated): gnomAD exomes 0.00211; gnomAD 0.01972 and 0.02131; TOPMed 0.02153; 1000 Genomes Project 0.02157; 1000 Genomes Project 30x 0.02171.
gnomAD v4.1: 5,016 of 1,070,816 alleles (0.47%); highest among the groups gnomAD compares: African/African-American, 6.9%; 146 homozygotes.

Submission:

GeneDx
Classification: Benign. Last evaluated: 2018-06-16. Review status: criteria provided, single submitter. Criteria: GeneDx Variant Classification (06012015). Collection method: clinical testing. Allele origin: germline. Affected: yes.
Comment: This variant is considered likely benign or benign based on one or more of the following criteria: it is a conservative change, it occurs at a poorly conserved position in the protein, it is predicted to be benign by multiple in silico algorithms, and/or has population frequency not consistent with disease.

NM_182961.4(SYNE1):c.18382-127C>T

Gene: SYNE1 (spectrin repeat containing nuclear envelope protein 1; minus strand). Cytogenetic location: 6q25.2.
Variant type: single nucleotide variant.
Coding change: c.18382-127C>T on transcript NM_182961.4 (MANE Select); 127 bases into the intron before coding-DNA position 18382, C replaced by T.
Molecular consequence: intron variant.
Genome position (GRCh38, 1-based): chr6:152,278,407, G>A on the plus strand (C>T on the coding strand, the complement: SYNE1 is on the minus strand). VCF-style: chr6-152278407-G-A. GRCh37 (hg19) VCF-style: chr6-152599542-G-A.
Other names: c.18169-127C>T (NM_033071.5).
Identifiers: ClinVar variation 679050 (VCV000679050.1), dbSNP rs114393085, ClinGen allele CA150179837.
Genomic context (GRCh38, chr6:152,278,407, plus strand): 5'-AGTGAAATACAGCCCTTTGGAGTCTTTTACGAAACGGACAGGCTTTCATGATTTTTTGTA[G>A]TTTTCCCACGGCCTTGACGAGTAAGTAGTCTGTAGGCTTTTTTTTTATATTTTTTAATTT-3'